The following is an entry in ClinVar:

NM_014727.3(KMT2B):c.3959G>C (p.Gly1320Ala)

Gene: KMT2B (lysine methyltransferase 2B; plus strand). Cytogenetic location: 19q13.12.
Variant type: single nucleotide variant.
Coding change: c.3959G>C on transcript NM_014727.3 (MANE Select); coding-DNA position 3959, G replaced by C.
Protein change: p.Gly1320Ala; replaces glycine 1320 with alanine.
Molecular consequence: missense variant.
Genome position (GRCh38, 1-based): chr19:35,726,309, G>C. VCF-style: chr19-35726309-G-C. GRCh37 (hg19) VCF-style: chr19-36217210-G-C.
Other names: short protein forms G1320A.
Identifiers: ClinVar variation 4746112 (VCV004746112.1).

ClinVar aggregate classification (germline): Uncertain significance (1 of 4 stars; one submission).

Submission:

Labcorp Genetics (formerly Invitae), Labcorp
Classification: Uncertain significance. Last evaluated: 2025-06-04. Review status: criteria provided, single submitter. Criteria: Invitae Variant Classification Sherloc (09022015). Collection method: clinical testing. Allele origin: germline.
Comment: This sequence change replaces glycine, which is neutral and non-polar, with alanine, which is neutral and non-polar, at codon 1320 of the KMT2B protein (p.Gly1320Ala). This variant is not present in population databases (gnomAD no frequency). This variant has not been reported in the literature in individuals affected with KMT2B-related conditions. Invitae Evidence Modeling of protein sequence and biophysical properties (such as structural, functional, and spatial information, amino acid conservation, physicochemical variation, residue mobility, and thermodynamic stability) indicates that this missense variant is not expected to disrupt KMT2B protein function with a negative predictive value of 95%. In summary, the available evidence is currently insufficient to determine the role of this variant in disease. Therefore, it has been classified as a Variant of Uncertain Significance.